The following is an entry in ClinVar:

NM_005188.4(CBL):c.1675C>T (p.Arg559Ter)

Gene: CBL (Cbl proto-oncogene; plus strand). Cytogenetic location: 11q23.3.
Variant type: single nucleotide variant.
Coding change: c.1675C>T on transcript NM_005188.4 (MANE Select); coding-DNA position 1675, C replaced by T.
Protein change: p.Arg559Ter; replaces arginine 559 with a stop codon.
Molecular consequence: nonsense.
Genome position (GRCh38, 1-based): chr11:119,285,300, C>T. VCF-style: chr11-119285300-C-T. GRCh37 (hg19) VCF-style: chr11-119156010-C-T.
Other names: short protein forms R559*.
Identifiers: ClinVar variation 4812187 (VCV004812187.1).
Genomic context (GRCh38, chr11:119,285,300, plus strand): 5'-CTTCGAGATCTTCCACCACCACCGCCTCCAGACCGGCCATATTCTGTTGGAGCAGAATCC[C>T]GACCTCAAAGACGCCCCTTGCCTTGTACACCAGGCGACTGTCCCTCCAGAGACAAACTGC-3'

ClinVar aggregate classification (germline): Uncertain significance (1 of 4 stars; one submission).

Conditions:
RASopathy. Also called: rasopathies; Noonan spectrum disorder. Identifiers: Orphanet 536391, MedGen C5555857, MONDO:0021060.

Submission:

Labcorp Genetics (formerly Invitae), Labcorp
Classification: Uncertain significance for RASopathy. Last evaluated: 2025-08-24. Review status: criteria provided, single submitter. Criteria: Invitae Variant Classification Sherloc (09022015). Collection method: clinical testing. Allele origin: germline.
Comment: This sequence change creates a premature translational stop signal (p.Arg559*) in the CBL gene. It is expected to result in an absent or disrupted protein product. However, the current clinical and genetic evidence is not sufficient to establish whether loss-of-function variants in CBL cause disease. The frequency data for this variant in the population databases is considered unreliable, as metrics indicate poor data quality at this position in the gnomAD database. This variant has not been reported in the literature in individuals affected with CBL-related conditions. In summary, the available evidence is currently insufficient to determine the role of this variant in disease. Therefore, it has been classified as a Variant of Uncertain Significance.